The following is an entry in ClinVar:

NM_000152.5(GAA):c.910G>A (p.Gly304Ser)

Gene: GAA (alpha glucosidase; plus strand). Cytogenetic location: 17q25.3.
Variant type: single nucleotide variant.
Coding change: c.910G>A on transcript NM_000152.5 (MANE Select); coding-DNA position 910, G replaced by A.
Protein change: p.Gly304Ser; replaces glycine 304 with serine.
Molecular consequence: missense variant.
Genome position (GRCh38, 1-based): chr17:80,107,851, G>A. VCF-style: chr17-80107851-G-A. GRCh37 (hg19) VCF-style: chr17-78081650-G-A.
Other names: c.910G>A, p.Gly304Ser (NM_001079803.3, NM_001079804.3); short protein forms G304S.
Identifiers: ClinVar variation 285649 (VCV000285649.18), dbSNP rs140301384, ClinGen allele CA8815085.

ClinVar aggregate classification (germline): Uncertain significance. Review status: criteria provided, multiple submitters, no conflicts (2 of 4 stars). 6 submissions from 6 submitters: Uncertain significance (5). 1 of the submissions does not count toward it. Last evaluated 2026-04-08.

Conditions:
Cardiovascular phenotype. Identifiers: MedGen CN230736.
Glycogen storage disease, type II (IOPD). Also called: Pompe Disease; POMPE DISEASE, INFANTILE-ONSET; GLYCOGEN STORAGE DISEASE II, INFANTILE-ONSET; ACID ALPHA-GLUCOSIDASE DEFICIENCY, INFANTILE-ONSET; GAA DEFICIENCY, INFANTILE-ONSET; ACID MALTASE DEFICIENCY, INFANTILE-ONSET. Identifiers: Orphanet 365, MedGen C0017921, MONDO:0009290, OMIM 232300.

Allele frequency attached by ClinVar (database versions not stated): ExAC 0.00004; gnomAD 0.00001; gnomAD exomes 0.00004 and 0.00002; TOPMed 0.00002; ESP Exome Variant Server 0.00008.
gnomAD v4.1: 37 of 1,612,114 alleles (0.0023%); highest among the groups gnomAD compares: Admixed American, 0.023%; no homozygotes.

Submissions (6):

Ambry Genetics
Classification: Uncertain significance for Cardiovascular phenotype. Last evaluated: 2026-04-08. Review status: criteria provided, single submitter. Criteria: Ambry Variant Classification Scheme 2023. Collection method: clinical testing. Allele origin: germline.
Comment: The c.910G>A (p.G304S) alteration is located in exon 5 (coding exon 4) of the GAA gene. This alteration results from a G to A substitution at nucleotide position 910, causing the glycine (G) at amino acid position 304 to be replaced by a serine (S). Based on data from gnomAD, the A allele has an overall frequency of 0.004% (9/245964) total alleles studied. The highest observed frequency was 0.02% (7/34316) of Latino alleles. Based on insufficient or conflicting evidence, the clinical significance of this alteration remains unclear.

Labcorp Genetics (formerly Invitae), Labcorp
Classification: Uncertain significance for Glycogen storage disease, type II. Last evaluated: 2024-12-04. Review status: criteria provided, single submitter. Criteria: Invitae Variant Classification Sherloc (09022015). Collection method: clinical testing. Allele origin: germline.
Comment: This sequence change replaces glycine, which is neutral and non-polar, with serine, which is neutral and polar, at codon 304 of the GAA protein (p.Gly304Ser). This variant is present in population databases (rs140301384, gnomAD 0.02%). This variant has not been reported in the literature in individuals affected with GAA-related conditions. ClinVar contains an entry for this variant (Variation ID: 285649). Invitae Evidence Modeling of protein sequence and biophysical properties (such as structural, functional, and spatial information, amino acid conservation, physicochemical variation, residue mobility, and thermodynamic stability) indicates that this missense variant is not expected to disrupt GAA protein function with a negative predictive value of 95%. In summary, the available evidence is currently insufficient to determine the role of this variant in disease. Therefore, it has been classified as a Variant of Uncertain Significance.

Genome-Nilou Lab
Classification: Uncertain significance for Glycogen storage disease, type II. Last evaluated: 2021-09-05. Review status: criteria provided, single submitter. Criteria: ACMG Guidelines, 2015. Collection method: clinical testing. Allele origin: germline. Affected: no.

GeneDx
Classification: Uncertain significance. Last evaluated: 2020-05-18. Review status: criteria provided, single submitter. Criteria: GeneDx Variant Classification Process June 2021. Collection method: clinical testing. Allele origin: germline. Affected: yes.
Comment: In silico analysis supports that this missense variant does not alter protein structure/function; Has not been previously published as pathogenic or benign to our knowledge

Eurofins Ntd Llc (ga)
Classification: Uncertain significance. Last evaluated: 2016-01-26. Review status: criteria provided, single submitter. Criteria: EGL Classification Definitions 2015. Collection method: clinical testing. Allele origin: germline. Observed: 1 variant allele, 1 heterozygote.

Natera, Inc.
Classification: Uncertain significance for Glycogen storage disease type II. Last evaluated: 2019-10-28. Review status: no assertion criteria provided. Collection method: clinical testing. Allele origin: germline. Not counted in ClinVar's aggregate classification.